The following is an entry in ClinVar:

ClinVar aggregate classification (germline): Uncertain significance (1 of 4 stars; one submission).

Allele frequency attached by ClinVar (database versions not stated): ExAC 0.00001; gnomAD exomes below 0.00001.
gnomAD v4.1: 1 of 1,614,126 alleles (0.000062%); highest among the groups gnomAD compares: South Asian, 0.0011%; no homozygotes.

Submission:

Labcorp Genetics (formerly Invitae), Labcorp
Classification: Uncertain significance. Last evaluated: 2025-02-13. Review status: criteria provided, single submitter. Criteria: Invitae Variant Classification Sherloc (09022015). Collection method: clinical testing. Allele origin: germline.
Comment: The BAZ2B gene has multiple clinically relevant transcripts. This variant occurs in alternate transcript NM_013450.3, and corresponds to NM_001289975.1:c.1631G>C in the primary transcript. This sequence change replaces glycine, which is neutral and non-polar, with alanine, which is neutral and non-polar, at codon 546 of the BAZ2B protein (p.Gly546Ala). This variant is present in population databases (rs753014690, gnomAD 0.0004%). This variant has not been reported in the literature in individuals affected with BAZ2B-related conditions. ClinVar contains an entry for this variant (Variation ID: 2095354). Experimental studies and prediction algorithms are not available or were not evaluated, and the functional significance of this variant is currently unknown. In summary, the available evidence is currently insufficient to determine the role of this variant in disease. Therefore, it has been classified as a Variant of Uncertain Significance.

NM_013450.4(BAZ2B):c.1637G>C (p.Gly546Ala)

Gene: BAZ2B (bromodomain adjacent to zinc finger domain 2B; minus strand). Cytogenetic location: 2q24.2.
Variant type: single nucleotide variant.
Coding change: c.1637G>C on transcript NM_013450.4 (MANE Select); coding-DNA position 1637, G replaced by C.
Protein change: p.Gly546Ala; replaces glycine 546 with alanine.
Molecular consequence: missense variant.
Genome position (GRCh38, 1-based): chr2:159,433,020, C>G on the plus strand (G>C on the coding strand, the complement: BAZ2B is on the minus strand). VCF-style: chr2-159433020-C-G. GRCh37 (hg19) VCF-style: chr2-160289531-C-G.
Other names: c.1631G>C, p.Gly544Ala (NM_001289975.1); c.1448G>C, p.Gly483Ala (NM_001329857.2); c.1637G>C, p.Gly546Ala (NM_001329858.2); short protein forms G483A, G544A, G546A.
Identifiers: ClinVar variation 2095354 (VCV002095354.4), dbSNP rs753014690, ClinGen allele CA1924874.